The following is an entry in ClinVar:

NM_001451.3(FOXF1):c.665A>G (p.His222Arg)

Gene: FOXF1 (forkhead box F1; plus strand). Cytogenetic location: 16q24.1.
Variant type: single nucleotide variant.
Coding change: c.665A>G on transcript NM_001451.3 (MANE Select); coding-DNA position 665, A replaced by G.
Protein change: p.His222Arg; replaces histidine 222 with arginine.
Molecular consequence: missense variant.
Genome position (GRCh38, 1-based): chr16:86,511,234, A>G. VCF-style: chr16-86511234-A-G. GRCh37 (hg19) VCF-style: chr16-86544840-A-G.
Other names: short protein forms H222R.
Identifiers: ClinVar variation 4695808 (VCV004695808.1).
Genomic context (GRCh38, chr16:86,511,234, plus strand): 5'-ACGTGGACGGCATGGCCCTGCCCAGCCACTCGGTGCCCCACCTGCCTTCCAACGGCGGCC[A>G]CTCGTACATGGGCGGCTGCGGCGGCGCGGCGGCCGGCGAGTACCCGCACCACGACAGCTC-3'
Protein context (NP_001442.2, residues 212-232): SVPHLPSNGG[His222Arg]SYMGGCGGAA

ClinVar aggregate classification (germline): Uncertain significance (1 of 4 stars; one submission).

gnomAD v4.1: 2 of 1,530,394 alleles (0.00013%); highest among the groups gnomAD compares: South Asian, 0.0012%; no homozygotes.

Submission:

Labcorp Genetics (formerly Invitae), Labcorp
Classification: Uncertain significance. Last evaluated: 2025-07-23. Review status: criteria provided, single submitter. Criteria: Invitae Variant Classification Sherloc (09022015). Collection method: clinical testing. Allele origin: germline.
Comment: This sequence change replaces histidine, which is basic and polar, with arginine, which is basic and polar, at codon 222 of the FOXF1 protein (p.His222Arg). This variant is not present in population databases (gnomAD no frequency). This variant has not been reported in the literature in individuals affected with FOXF1-related conditions. Invitae Evidence Modeling of protein sequence and biophysical properties (such as structural, functional, and spatial information, amino acid conservation, physicochemical variation, residue mobility, and thermodynamic stability) indicates that this missense variant is not expected to disrupt FOXF1 protein function with a negative predictive value of 80%. In summary, the available evidence is currently insufficient to determine the role of this variant in disease. Therefore, it has been classified as a Variant of Uncertain Significance.